The following is an entry in ClinVar:

ClinVar aggregate classification (germline): Uncertain significance. Review status: criteria provided, multiple submitters, no conflicts (2 of 4 stars). 2 submissions from 2 submitters: Uncertain significance (2). Last evaluated 2025-10-26.

Conditions:
Progressive myoclonic epilepsy type 9. Identifiers: Orphanet 457265, MedGen C4225289, MONDO:0014685, OMIM 616540.
Lipodystrophy, partial, acquired, susceptibility to (APLD). Also called: APLD, SUSCEPTIBILITY TO. Identifiers: MedGen C3887501, MONDO:0100476, OMIM 608709.

Allele frequency attached by ClinVar (database versions not stated): gnomAD 0.00002; ExAC 0.00005; gnomAD exomes 0.00006; 1000 Genomes Project 30x 0.00016; TOPMed 0.00002.
gnomAD v4.1: 92 of 1,605,138 alleles (0.0057%); highest among the groups gnomAD compares: South Asian, 0.019%; no homozygotes.

Submissions (2):

Labcorp Genetics (formerly Invitae), Labcorp
Classification: Uncertain significance for Progressive myoclonic epilepsy type 9; Lipodystrophy, partial, acquired, susceptibility to. Last evaluated: 2025-10-26. Review status: criteria provided, single submitter. Criteria: Invitae Variant Classification Sherloc (09022015). Collection method: clinical testing. Allele origin: germline.
Comment: This sequence change replaces arginine, which is basic and polar, with glutamine, which is neutral and polar, at codon 239 of the LMNB2 protein (p.Arg239Gln). This variant is present in population databases (rs748007731, gnomAD 0.03%). This variant has not been reported in the literature in individuals affected with LMNB2-related conditions. ClinVar contains an entry for this variant (Variation ID: 2181410). Invitae Evidence Modeling of protein sequence and biophysical properties (such as structural, functional, and spatial information, amino acid conservation, physicochemical variation, residue mobility, and thermodynamic stability) indicates that this missense variant is not expected to disrupt LMNB2 protein function with a negative predictive value of 80%. In summary, the available evidence is currently insufficient to determine the role of this variant in disease. Therefore, it has been classified as a Variant of Uncertain Significance.

Ambry Genetics
Classification: Uncertain significance. Last evaluated: 2023-12-05. Review status: criteria provided, single submitter. Criteria: Ambry Variant Classification Scheme 2023. Collection method: clinical testing. Allele origin: germline.

NM_032737.4(LMNB2):c.716G>A (p.Arg239Gln)

Gene: LMNB2 (lamin B2; minus strand). Cytogenetic location: 19p13.3.
Variant type: single nucleotide variant.
Coding change: c.716G>A on transcript NM_032737.4 (MANE Select); coding-DNA position 716, G replaced by A.
Protein change: p.Arg239Gln; replaces arginine 239 with glutamine.
Molecular consequence: missense variant.
Genome position (GRCh38, 1-based): chr19:2,435,140, C>T on the plus strand (G>A on the coding strand, the complement: LMNB2 is on the minus strand). VCF-style: chr19-2435140-C-T. GRCh37 (hg19) VCF-style: chr19-2435138-C-T.
Other names: c.656G>A (NM_032737.2); short protein forms R239Q.
Identifiers: ClinVar variation 2181410 (VCV002181410.5), dbSNP rs748007731, ClinGen allele CA9067781.